The following is an entry in ClinVar:

NM_006922.4(SCN3A):c.2661G>C (p.Leu887Phe)

Gene: SCN3A (sodium voltage-gated channel alpha subunit 3; minus strand). Cytogenetic location: 2q24.3.
Variant type: single nucleotide variant.
Coding change: c.2661G>C on transcript NM_006922.4 (MANE Select); coding-DNA position 2661, G replaced by C.
Protein change: p.Leu887Phe; replaces leucine 887 with phenylalanine.
Molecular consequence: missense variant.
Genome position (GRCh38, 1-based): chr2:165,130,201, C>G on the plus strand (G>C on the coding strand, the complement: SCN3A is on the minus strand). VCF-style: chr2-165130201-C-G. GRCh37 (hg19) VCF-style: chr2-165986711-C-G.
Other names: c.2514G>C, p.Leu838Phe (NM_001081676.2, NM_001081677.2); short protein forms L838F, L887F.
Identifiers: ClinVar variation 1989062 (VCV001989062.4), dbSNP rs1175271544, ClinGen allele CA349042820.
Genomic context (GRCh38, chr2:165,130,201, plus strand): 5'-GCTCTTACCAAAGAGCTGCATGCCGACCACAGCAAAAATGAAGACGATGATGGCCAACAC[C>G]AAGGTGAGGTTTCCTAGAGCCCCCACAGAATTGCCAATGATCTTAATTAGCATATTTAGT-3'
Protein context (NP_008853.3, residues 877-897): NSVGALGNLT[Leu887Phe]VLAIIVFIFA

ClinVar aggregate classification (germline): Uncertain significance (1 of 4 stars; one submission).

gnomAD v4.1: 1 of 1,614,156 alleles (0.000062%); highest among the groups gnomAD compares: Middle Eastern, 0.016%; no homozygotes.

Submission:

Labcorp Genetics (formerly Invitae), Labcorp
Classification: Uncertain significance. Last evaluated: 2023-10-16. Review status: criteria provided, single submitter. Criteria: Invitae Variant Classification Sherloc (09022015). Collection method: clinical testing. Allele origin: germline.
Comment: This sequence change replaces leucine, which is neutral and non-polar, with phenylalanine, which is neutral and non-polar, at codon 887 of the SCN3A protein (p.Leu887Phe). This variant is not present in population databases (gnomAD no frequency). This variant has not been reported in the literature in individuals affected with SCN3A-related conditions. ClinVar contains an entry for this variant (Variation ID: 1989062). Advanced modeling of protein sequence and biophysical properties (such as structural, functional, and spatial information, amino acid conservation, physicochemical variation, residue mobility, and thermodynamic stability) performed at Invitae indicates that this missense variant is not expected to disrupt SCN3A protein function. In summary, the available evidence is currently insufficient to determine the role of this variant in disease. Therefore, it has been classified as a Variant of Uncertain Significance.